The following is an entry in ClinVar:

ClinVar aggregate classification (germline): Uncertain significance. Review status: criteria provided, multiple submitters, no conflicts (2 of 4 stars). 2 submissions from 2 submitters: Uncertain significance (2). Last evaluated 2025-09-12.

Conditions:
RASopathy. Also called: Noonan spectrum disorder; rasopathies. Identifiers: Orphanet 536391, MedGen C5555857, MONDO:0021060.
Cardiovascular phenotype. Identifiers: MedGen CN230736.

gnomAD v4.1: 1 of 1,614,022 alleles (0.000062%); highest among the groups gnomAD compares: Non-Finnish European, 0.000085%; no homozygotes.

Submissions (2):

Labcorp Genetics (formerly Invitae), Labcorp
Classification: Uncertain significance for RASopathy. Last evaluated: 2025-09-12. Review status: criteria provided, single submitter. Criteria: Invitae Variant Classification Sherloc (09022015). Collection method: clinical testing. Allele origin: germline.
Comment: This sequence change replaces leucine, which is neutral and non-polar, with phenylalanine, which is neutral and non-polar, at codon 315 of the CBL protein (p.Leu315Phe). This variant is not present in population databases (gnomAD no frequency). This variant has not been reported in the literature in individuals affected with CBL-related conditions. ClinVar contains an entry for this variant (Variation ID: 3714847). Invitae Evidence Modeling of protein sequence and biophysical properties (such as structural, functional, and spatial information, amino acid conservation, physicochemical variation, residue mobility, and thermodynamic stability) has been performed for this missense variant. However, the output from this modeling did not meet the statistical confidence thresholds required to predict the impact of this variant on CBL protein function. In summary, the available evidence is currently insufficient to determine the role of this variant in disease. Therefore, it has been classified as a Variant of Uncertain Significance.

Ambry Genetics
Classification: Uncertain significance for Cardiovascular phenotype. Last evaluated: 2025-01-17. Review status: criteria provided, single submitter. Criteria: Ambry Variant Classification Scheme 2023. Collection method: clinical testing. Allele origin: germline.
Comment: The p.L315F variant (also known as c.943C>T), located in coding exon 6 of the CBL gene, results from a C to T substitution at nucleotide position 943. The leucine at codon 315 is replaced by phenylalanine, an amino acid with highly similar properties. This amino acid position is conserved. In addition, this alteration is predicted to be deleterious by in silico analysis. Based on the available evidence, the clinical significance of this variant remains unclear.

NM_005188.4(CBL):c.943C>T (p.Leu315Phe)

Gene: CBL (Cbl proto-oncogene; plus strand). Cytogenetic location: 11q23.3.
Variant type: single nucleotide variant.
Coding change: c.943C>T on transcript NM_005188.4 (MANE Select); coding-DNA position 943, C replaced by T.
Protein change: p.Leu315Phe; replaces leucine 315 with phenylalanine.
Molecular consequence: missense variant.
Genome position (GRCh38, 1-based): chr11:119,276,070, C>T. VCF-style: chr11-119276070-C-T. GRCh37 (hg19) VCF-style: chr11-119146780-C-T.
Other names: c.943C>T (NM_005188.2); short protein forms L315F.
Identifiers: ClinVar variation 3714847 (VCV003714847.3).